The following is an entry in ClinVar:

NM_004304.5(ALK):c.978A>G (p.Ser326=)

Gene: ALK (ALK receptor tyrosine kinase; minus strand). Cytogenetic location: 2p23.2.
Variant type: single nucleotide variant.
Coding change: c.978A>G on transcript NM_004304.5 (MANE Select); coding-DNA position 978, A replaced by G.
Protein change: p.Ser326=; no amino-acid change (serine 326 retained).
Molecular consequence: synonymous variant.
Genome position (GRCh38, 1-based): chr2:29,532,091, T>C on the plus strand (A>G on the coding strand, the complement: ALK is on the minus strand). VCF-style: chr2-29532091-T-C. GRCh37 (hg19) VCF-style: chr2-29754957-T-C.
Identifiers: ClinVar variation 1581033 (VCV001581033.18), dbSNP rs756622399, ClinGen allele CA1594786.

ClinVar aggregate classification (germline): Likely benign. Review status: criteria provided, multiple submitters, no conflicts (2 of 4 stars). 3 submissions from 3 submitters: Likely benign (3). Last evaluated 2025-08-01.

Conditions:
Hereditary cancer-predisposing syndrome. Also called: Neoplastic Syndromes, Hereditary; Hereditary neoplastic syndrome; Tumor predisposition; Hereditary Cancer Syndrome. Identifiers: Orphanet 140162, MedGen C0027672, MeSH D009386, MONDO:0015356.
Neuroblastoma, susceptibility to, 3. Also called: ALK-Related Neuroblastic Tumor Susceptibility. Identifiers: Orphanet 635, MedGen C2751681, MONDO:0013083, OMIM 613014.

Allele frequency attached by ClinVar (database versions not stated): gnomAD exomes below 0.00001; ExAC 0.00001.
gnomAD v4.1: 7 of 1,613,698 alleles (0.00043%); highest among the groups gnomAD compares: Non-Finnish European, 0.00059%; no homozygotes.

Submissions (3):

CeGaT Center for Human Genetics Tuebingen
Classification: Likely benign. Last evaluated: 2025-08-01. Review status: criteria provided, single submitter. Criteria: CeGaT Center For Human Genetics Tuebingen Variant Classification Criteria Version 2. Collection method: clinical testing. Allele origin: germline. Affected: yes. Observed: 1 variant allele.
Comment: ALK: BP4, BP7

Ambry Genetics
Classification: Likely benign for Hereditary cancer-predisposing syndrome. Last evaluated: 2021-05-07. Review status: criteria provided, single submitter. Criteria: Ambry Variant Classification Scheme 2023. Collection method: clinical testing. Allele origin: germline.

Labcorp Genetics (formerly Invitae), Labcorp
Classification: Likely benign for Neuroblastoma, susceptibility to, 3. Last evaluated: 2021-02-07. Review status: criteria provided, single submitter. Criteria: Invitae Variant Classification Sherloc (09022015). Collection method: clinical testing. Allele origin: germline.